The following is an entry in ClinVar:

ClinVar aggregate classification (germline): Uncertain significance (1 of 4 stars; one submission).

gnomAD v4.1: 2 of 1,565,304 alleles (0.00013%); highest among the groups gnomAD compares: African/African-American, 0.0027%; no homozygotes.

Submission:

Ambry Genetics
Classification: Uncertain significance. Last evaluated: 2024-10-01. Review status: criteria provided, single submitter. Criteria: Ambry Variant Classification Scheme 2023. Collection method: clinical testing. Allele origin: germline.
Comment: The p.H185L variant (also known as c.554A>T), located in coding exon 6 of the PRKDC gene, results from an A to T substitution at nucleotide position 554. The histidine at codon 185 is replaced by leucine, an amino acid with similar properties. This amino acid position is conserved. In addition, this alteration is predicted to be tolerated by in silico analysis. Based on the available evidence, the clinical significance of this variant remains unclear.

NM_006904.7(PRKDC):c.554A>T (p.His185Leu)

Gene: PRKDC (protein kinase, DNA-activated, catalytic subunit; minus strand). Cytogenetic location: 8q11.21.
Variant type: single nucleotide variant.
Coding change: c.554A>T on transcript NM_006904.7 (MANE Select); coding-DNA position 554, A replaced by T.
Protein change: p.His185Leu; replaces histidine 185 with leucine.
Molecular consequence: missense variant.
Genome position (GRCh38, 1-based): chr8:47,953,874, T>A on the plus strand (A>T on the coding strand, the complement: PRKDC is on the minus strand). VCF-style: chr8-47953874-T-A. GRCh37 (hg19) VCF-style: chr8-48866434-T-A.
Other names: c.554A>T, p.His185Leu (NM_001081640.2); short protein forms H185L.
Identifiers: ClinVar variation 3425233 (VCV003425233.1).